The following is an entry in ClinVar:

NM_002890.3(RASA1):c.442dup (p.Ala148fs)

Gene: RASA1 (RAS p21 protein activator 1; plus strand). Cytogenetic location: 5q14.3.
Variant type: Duplication.
Coding change: c.442dup on transcript NM_002890.3 (MANE Select); coding-DNA position 442, one base duplicated (G; older notation c.442dupG).
Protein change: p.Ala148fs; shifts the reading frame from alanine 148.
Molecular consequence: frameshift variant.
Genome position (GRCh38, 1-based): chr5:87,268,893, G duplicated; the last of 5 consecutive G bases (chr5:87,268,889-87,268,893); duplicating any one gives the same sequence. VCF-style (leftmost placement, unchanged base first): chr5-87268888-T-TG. GRCh37 (hg19) VCF-style: chr5-86564705-T-TG.
Other names: short protein forms A148fs.
Identifiers: ClinVar variation 1075680 (VCV001075680.7), dbSNP rs751951068, ClinGen allele CA3335434.

ClinVar aggregate classification (germline): Pathogenic (1 of 4 stars; one submission).

Conditions:
Capillary malformation-arteriovenous malformation syndrome. Also called: Capillary malformation-arteriovenous malformation. Identifiers: Orphanet 137667, MedGen C1842180, MONDO:0012016.

Submission:

Labcorp Genetics (formerly Invitae), Labcorp
Classification: Pathogenic for Capillary malformation-arteriovenous malformation syndrome. Last evaluated: 2021-05-09. Review status: criteria provided, single submitter. Criteria: Invitae Variant Classification Sherloc (09022015). Collection method: clinical testing. Allele origin: germline.
Comment: For these reasons, this variant has been classified as Pathogenic. Loss-of-function variants in RASA1 are known to be pathogenic (PMID: 24038909). This variant has not been reported in the literature in individuals with RASA1-related conditions. The frequency data for this variant in the population databases is considered unreliable, as metrics indicate poor data quality at this position in the ExAC database. This sequence change creates a premature translational stop signal (p.Ala148Glyfs*10) in the RASA1 gene. It is expected to result in an absent or disrupted protein product.

Literature cited by the submitters: PubMed 24038909.